The following is an entry in ClinVar:

ClinVar aggregate classification (germline): Likely pathogenic (1 of 4 stars; one submission).

Conditions:
Fabry disease. Also called: ALPHA-GALACTOSIDASE A DEFICIENCY; ANDERSON-FABRY DISEASE; CERAMIDE TRIHEXOSIDASE DEFICIENCY; GLA DEFICIENCY; HEREDITARY DYSTOPIC LIPIDOSIS; Angiokeratoma corporis diffusum. Identifiers: Orphanet 324, MedGen C0002986, MONDO:0010526, OMIM 301500, HP:0001071. Disease mechanism: Fabry disease is due to inactivating mutations in the X-linked GLA gene resulting in deficiency of the enzyme Alpha Galactosidase-A., loss of function.

Submission:

Genomenon, Inc
Classification: Likely pathogenic for Fabry disease. Last evaluated: 2026-09-08. Review status: criteria provided, single submitter. Criteria: Genomenon Sequence Variant Interpretation Standards - Updated. Collection method: curation. Allele origin: germline. Affected: yes.
Comment: GLA p.Gly258Arg (c.772G>A) is a missense variant that changes the amino acid at codon 258 from Glycine to Arginine. This variant has been observed in at least one proband with clinical features consistent with Fabry disease (PMID:39362930;30468909). The variant was found to segregate with disease in at least one affected family (PMID:30468909). Functional or patient cell studies have been reported (PMID:30468909). It is absent or not present at a significant frequency in gnomAD. In silico models predict that this variant is possibly or probably damaging. In conclusion, we classify GLA p.Gly258Arg (c.772G>A) as a likely pathogenic variant.

Literature cited by the submitters: PubMed 39362930; PubMed 30468909.

NM_000169.3(GLA):c.772G>A (p.Gly258Arg)

Genes: GLA (galactosidase alpha; minus strand), RPL36A-HNRNPH2 (RPL36A-HNRNPH2 readthrough; plus strand). Cytogenetic location: Xq22.1.
Variant type: single nucleotide variant.
Coding change: c.772G>A on transcript NM_000169.3 (MANE Select); coding-DNA position 772, G replaced by A.
Protein change: p.Gly258Arg; replaces glycine 258 with arginine.
Molecular consequence: missense variant. On other transcripts: non-coding transcript variant (3), intron variant (2).
Genome position (GRCh38, 1-based): chrX:101,398,814, C>T on the plus strand (G>A on the coding strand, the complement: GLA is on the minus strand). VCF-style: chrX-101398814-C-T. GRCh37 (hg19) VCF-style: chrX-100653802-C-T.
Other names: c.895G>A, p.Gly299Arg (NM_001406747.1); c.772G>A, p.Gly258Arg (NM_001406748.1); c.300+3357C>T (NM_001199973.2); c.177+6992C>T (NM_001199974.2); short protein forms G258R, G299R.
Identifiers: ClinVar variation 4087501 (VCV004087501.2).